The following is an entry in ClinVar:

NM_001170629.2(CHD8):c.7733A>T (p.Asp2578Val)

Gene: CHD8 (chromodomain helicase DNA binding protein 8; minus strand). Cytogenetic location: 14q11.2.
Variant type: single nucleotide variant.
Coding change: c.7733A>T on transcript NM_001170629.2 (MANE Select); coding-DNA position 7733, A replaced by T.
Protein change: p.Asp2578Val; replaces aspartic acid 2578 with valine.
Molecular consequence: missense variant.
Genome position (GRCh38, 1-based): chr14:21,385,626, T>A on the plus strand (A>T on the coding strand, the complement: CHD8 is on the minus strand). VCF-style: chr14-21385626-T-A. GRCh37 (hg19) VCF-style: chr14-21853785-T-A.
Other names: c.6896A>T, p.Asp2299Val (NM_020920.4); short protein forms D2299V, D2578V.
Identifiers: ClinVar variation 4851482 (VCV004851482.1).

ClinVar aggregate classification (germline): Uncertain significance (1 of 4 stars; one submission).

Conditions:
Paediatric disorders.

gnomAD v4.1: 1 of 1,551,370 alleles (0.000064%); highest among the groups gnomAD compares: East Asian, 0.0024%; no homozygotes.

Submission:

North West Genomic Laboratory Hub, Manchester University NHS Foundation Trust
Classification: Uncertain significance for Paediatric disorders. Last evaluated: 2026-05-04. Review status: criteria provided, single submitter. Criteria: ACGS Best Practice Guidelines for Variant Classification in Rare Disease 2024. Collection method: clinical testing. Allele origin: germline. Affected: yes.
Comment: PP2_Supp PM2_Mod